The following is an entry in ClinVar:

NM_004991.4(MECOM):c.2396del (p.Gly799fs)

Gene: MECOM (MDS1 and EVI1 complex locus; minus strand). Cytogenetic location: 3q26.2.
Variant type: Deletion.
Coding change: c.2396del on transcript NM_004991.4 (MANE Select); coding-DNA position 2396, one base deleted (G; older notation c.2396delG).
Protein change: p.Gly799fs; shifts the reading frame from glycine 799.
Molecular consequence: frameshift variant.
Genome position (GRCh38, 1-based): chr3:169,115,476, C deleted on the plus strand (G on the coding strand, the reverse complement: MECOM is on the minus strand); the first of 5 consecutive C bases (chr3:169,115,476-169,115,480); deleting any one gives the same sequence. VCF-style (leftmost placement, unchanged base first): chr3-169115475-TC-T. GRCh37 (hg19) VCF-style: chr3-168833263-TC-T.
Other names: c.2027del, p.Gly676fs (NM_001105077.4); c.1832del, p.Gly611fs (NM_001105078.4, NM_001164000.2, NM_001205194.2 and 4 more transcripts); c.1835del, p.Gly612fs (NM_001163999.2, NM_001366467.2, NM_001366468.2 and 1 more transcripts); c.2396del, p.Gly799fs (NM_001366466.2); c.1424del, p.Gly475fs (NM_001366473.2); c.860del, p.Gly287fs (NM_001366474.2); short protein forms G287fs, G475fs, G611fs, G612fs, G676fs, G799fs.
Identifiers: ClinVar variation 4854215 (VCV004854215.1).

ClinVar aggregate classification (germline): Likely pathogenic (1 of 4 stars; one submission).

Conditions:
Radioulnar synostosis with amegakaryocytic thrombocytopenia 2 (RUSAT2). Also called: RADIOULNAR SYNOSTOSIS AND AMEGAKARYOCYTIC THROMBOCYTOPENIA 2. Identifiers: Orphanet 71289, MedGen C4225221, MONDO:0014758, OMIM 616738.

Submission:

3billion
Classification: Likely pathogenic for Radioulnar synostosis with amegakaryocytic thrombocytopenia 2. Last evaluated: 2025-07-28. Review status: criteria provided, single submitter. Criteria: ACMG Guidelines, 2015. Collection method: clinical testing. Allele origin: germline. Affected: yes.
Comment: The variant is not observed in the gnomAD v4.1.0 dataset. Predicted Consequence/Location: Frameshift: predicted to result in a loss or disruption of normal protein function through nonsense-mediated decay (NMD) or protein truncation. Multiple pathogenic variants are reported downstream of the variant. Therefore, this variant is classified as Likely pathogenic according to the recommendation of ACMG/AMP guideline.